The following is an entry in ClinVar:

ClinVar aggregate classification (germline): Uncertain significance (1 of 4 stars; one submission).

Conditions:
Oligodontia-cancer predisposition syndrome. Also called: TOOTH AGENESIS-COLORECTAL CANCER SYNDROME. Identifiers: Orphanet 300576, MedGen C1837750, MONDO:0012075, OMIM 608615. Disease mechanism: loss of function.

Submission:

Labcorp Genetics (formerly Invitae), Labcorp
Classification: Uncertain significance for Oligodontia-cancer predisposition syndrome. Last evaluated: 2023-10-23. Review status: criteria provided, single submitter. Criteria: Invitae Variant Classification Sherloc (09022015). Collection method: clinical testing. Allele origin: germline.
Comment: This sequence change replaces aspartic acid, which is acidic and polar, with glutamic acid, which is acidic and polar, at codon 440 of the AXIN2 protein (p.Asp440Glu). This variant is not present in population databases (gnomAD no frequency). This variant has not been reported in the literature in individuals affected with AXIN2-related conditions. Advanced modeling of protein sequence and biophysical properties (such as structural, functional, and spatial information, amino acid conservation, physicochemical variation, residue mobility, and thermodynamic stability) has been performed at Invitae for this missense variant, however the output from this modeling did not meet the statistical confidence thresholds required to predict the impact of this variant on AXIN2 protein function. In summary, the available evidence is currently insufficient to determine the role of this variant in disease. Therefore, it has been classified as a Variant of Uncertain Significance.

NM_004655.4(AXIN2):c.1320C>A (p.Asp440Glu)

Gene: AXIN2 (axin 2; minus strand). Cytogenetic location: 17q24.1.
Variant type: single nucleotide variant.
Coding change: c.1320C>A on transcript NM_004655.4 (MANE Select); coding-DNA position 1320, C replaced by A.
Protein change: p.Asp440Glu; replaces aspartic acid 440 with glutamic acid.
Molecular consequence: missense variant.
Genome position (GRCh38, 1-based): chr17:65,537,716, G>T on the plus strand (C>A on the coding strand, the complement: AXIN2 is on the minus strand). VCF-style: chr17-65537716-G-T. GRCh37 (hg19) VCF-style: chr17-63533834-G-T.
Other names: c.1320C>A, p.Asp440Glu (NM_001363813.1); short protein forms D440E.
Identifiers: ClinVar variation 3010184 (VCV003010184.3), dbSNP rs376935084, ClinGen allele CA400677738.